The following is an entry in ClinVar:

ClinVar aggregate classification (germline): Pathogenic (1 of 4 stars; one submission).

Submission:

GeneDx
Classification: Pathogenic. Last evaluated: 2018-01-12. Review status: criteria provided, single submitter. Criteria: GeneDx Variant Classification (06012015). Collection method: clinical testing. Allele origin: germline. Affected: yes.
Comment: The c.285_294del10 pathogenic variant in the CTNNB1 gene has not been reported previously as a pathogenic variant nor as a benign variant, to our knowledge. The c.285_294del10 variant causes a frameshift starting with codon Alanine 96, changes this amino acid to a Serine residue, and creates a premature Stop codon at position 5 of the new reading frame, denoted p.Ala96SerfsX5. This variant is predicted to cause loss of normal protein function either through protein truncation or nonsense-mediated mRNA decay. Frameshift and other protein truncating variants downstream of this deletion have been reported in the Human Gene Mutation Database in association with CTNNB1-related disorder (Stenson et al., 2014), supporting the pathogenicity of more upstream truncating variants. The c.285_294del10 variant was not observed in approximately 6500 individuals of European and African American ancestry in the NHLBI Exome Sequencing Project, indicating it is not a common benign variant in these populations. We interpret c.285_294del10 as a pathogenic variant.

NM_001904.4(CTNNB1):c.285_294del (p.Ala96fs)

Genes: CTNNB1 (catenin beta 1; plus strand), LOC126806658 (BRD4-independent group 4 enhancer GRCh37_chr3:41265899-41267098; plus strand). Cytogenetic location: 3p22.1.
Variant type: Deletion.
Coding change: c.285_294del on transcript NM_001904.4 (MANE Select); coding-DNA positions 285 to 294, 10 bases deleted (AGCTGCTATG; older notation c.285_294delAGCTGCTATG).
Protein change: p.Ala96fs; shifts the reading frame from alanine 96.
Molecular consequence: frameshift variant.
Genome position (GRCh38, 1-based): chr3:41,224,997-41,225,006, AGCTGCTATG deleted; deleting any 10 consecutive bases within chr3:41,224,996-41,225,006 gives the same sequence; the c. name uses the placement nearest the transcript's 3' end. VCF-style (leftmost placement, unchanged base first): chr3-41224995-CGAGCTGCTAT-C. GRCh37 (hg19) VCF-style: chr3-41266486-CGAGCTGCTAT-C.
Other names: c.285_294del, p.Ala96fs (NM_001098209.2, NM_001098210.2); c.264_273del, p.Ala89fs (NM_001330729.2); short protein forms A96fs, A89fs.
Identifiers: ClinVar variation 430017 (VCV000430017.2), dbSNP rs1131691736, ClinGen allele CA645369333.